The following is an entry in ClinVar:

ClinVar aggregate classification (germline): Uncertain significance. Review status: criteria provided, multiple submitters, no conflicts (2 of 4 stars). 2 submissions from 2 submitters: Uncertain significance (2). Last evaluated 2024-04-04.

Conditions:
POLD1-related polyposis and colorectal cancer syndrome (CRCS10). Also called: Colorectal cancer, susceptibility to, 10; Colorectal cancer 10; COLORECTAL CANCER, SUSCEPTIBILITY TO, ON CHROMOSOME 19q. Identifiers: Orphanet 220460, MedGen C2675481, MONDO:0012953, OMIM 612591.
Hereditary cancer-predisposing syndrome. Also called: Hereditary neoplastic syndrome; Tumor predisposition; Hereditary Cancer Syndrome; Neoplastic Syndromes, Hereditary. Identifiers: Orphanet 140162, MedGen C0027672, MeSH D009386, MONDO:0015356.

Submissions (2):

Ambry Genetics
Classification: Uncertain significance for Hereditary cancer-predisposing syndrome. Last evaluated: 2024-04-04. Review status: criteria provided, single submitter. Criteria: Ambry Variant Classification Scheme 2023. Collection method: clinical testing. Allele origin: germline.
Comment: The p.R1082P variant (also known as c.3245G>C), located in coding exon 26 of the POLD1 gene, results from a G to C substitution at nucleotide position 3245. The arginine at codon 1082 is replaced by proline, an amino acid with dissimilar properties. This amino acid position is conserved. In addition, this alteration is predicted to be deleterious by in silico analysis. Since supporting evidence is limited at this time, the clinical significance of this alteration remains unclear.

Labcorp Genetics (formerly Invitae), Labcorp
Classification: Uncertain significance for POLD1-related polyposis and colorectal cancer syndrome. Last evaluated: 2022-06-30. Review status: criteria provided, single submitter. Criteria: Invitae Variant Classification Sherloc (09022015). Collection method: clinical testing. Allele origin: germline.
Comment: In summary, the available evidence is currently insufficient to determine the role of this variant in disease. Therefore, it has been classified as a Variant of Uncertain Significance. Algorithms developed to predict the effect of missense changes on protein structure and function are either unavailable or do not agree on the potential impact of this missense change (SIFT: "Deleterious"; PolyPhen-2: "Probably Damaging"; Align-GVGD: "Class C0"). ClinVar contains an entry for this variant (Variation ID: 655694). This variant has not been reported in the literature in individuals affected with POLD1-related conditions. This variant is not present in population databases (gnomAD no frequency). This sequence change replaces arginine, which is basic and polar, with proline, which is neutral and non-polar, at codon 1082 of the POLD1 protein (p.Arg1082Pro).

NM_002691.4(POLD1):c.3245G>C (p.Arg1082Pro)

Gene: POLD1 (DNA polymerase delta 1, catalytic subunit; plus strand). Cytogenetic location: 19q13.33.
Variant type: single nucleotide variant.
Coding change: c.3245G>C on transcript NM_002691.4 (MANE Select); coding-DNA position 3245, G replaced by C.
Protein change: p.Arg1082Pro; replaces arginine 1082 with proline.
Molecular consequence: missense variant. On other transcripts: non-coding transcript variant (1).
Genome position (GRCh38, 1-based): chr19:50,417,868, G>C. VCF-style: chr19-50417868-G-C. GRCh37 (hg19) VCF-style: chr19-50921125-G-C.
Other names: c.3245G>C, p.Arg1082Pro (NM_001256849.1); c.3323G>C, p.Arg1108Pro (NM_001308632.1); short protein forms R1108P, R1082P.
Identifiers: ClinVar variation 655694 (VCV000655694.12), dbSNP rs1601254052, ClinGen allele CA406987752.